The following is an entry in ClinVar:

ClinVar aggregate classification (germline): Uncertain significance. Review status: criteria provided, multiple submitters, no conflicts (2 of 4 stars). 2 submissions from 2 submitters: Uncertain significance (2). Last evaluated 2024-11-22.

Conditions:
Inborn genetic diseases. Identifiers: MedGen C0950123, MeSH D030342.
Fanconi anemia (FA). Also called: Fanconi's anemia. Identifiers: Orphanet 84, MedGen C0015625, MeSH D005199, MONDO:0019391.

Submissions (2):

Ambry Genetics
Classification: Uncertain significance for Inborn genetic diseases. Last evaluated: 2024-11-22. Review status: criteria provided, single submitter. Criteria: Ambry Variant Classification Scheme 2023. Collection method: clinical testing. Allele origin: germline.
Comment: The p.S1889R variant (also known as c.5667T>G), located in coding exon 21 of the FANCM gene, results from a T to G substitution at nucleotide position 5667. The serine at codon 1889 is replaced by arginine, an amino acid with dissimilar properties. This amino acid position is conserved. In addition, this alteration is predicted to be tolerated by in silico analysis. Based on the available evidence, the clinical significance of this variant remains unclear.

Labcorp Genetics (formerly Invitae), Labcorp
Classification: Uncertain significance for Fanconi anemia. Last evaluated: 2022-07-15. Review status: criteria provided, single submitter. Criteria: Invitae Variant Classification Sherloc (09022015). Collection method: clinical testing. Allele origin: germline.
Comment: In summary, the available evidence is currently insufficient to determine the role of this variant in disease. Therefore, it has been classified as a Variant of Uncertain Significance. Algorithms developed to predict the effect of missense changes on protein structure and function are either unavailable or do not agree on the potential impact of this missense change (SIFT: "Tolerated"; PolyPhen-2: "Possibly Damaging"; Align-GVGD: "Class C0"). This variant has not been reported in the literature in individuals affected with FANCM-related conditions. This variant is not present in population databases (gnomAD no frequency). This sequence change replaces serine, which is neutral and polar, with arginine, which is basic and polar, at codon 1889 of the FANCM protein (p.Ser1889Arg).

NM_020937.4(FANCM):c.5667T>G (p.Ser1889Arg)

Gene: FANCM (FA complementation group M; plus strand). Cytogenetic location: 14q21.2.
Variant type: single nucleotide variant.
Coding change: c.5667T>G on transcript NM_020937.4 (MANE Select); coding-DNA position 5667, T replaced by G.
Protein change: p.Ser1889Arg; replaces serine 1889 with arginine.
Molecular consequence: missense variant.
Genome position (GRCh38, 1-based): chr14:45,196,498, T>G. VCF-style: chr14-45196498-T-G. GRCh37 (hg19) VCF-style: chr14-45665701-T-G.
Other names: c.5589T>G, p.Ser1863Arg (NM_001308133.2); short protein forms S1863R, S1889R.
Identifiers: ClinVar variation 1713357 (VCV001713357.6), dbSNP rs2503271241, ClinGen allele CA389586375.